The following is an entry in ClinVar:

ClinVar aggregate classification (germline): Uncertain significance (1 of 4 stars; one submission).

Submission:

Labcorp Genetics (formerly Invitae), Labcorp
Classification: Uncertain significance. Last evaluated: 2025-06-06. Review status: criteria provided, single submitter. Criteria: Invitae Variant Classification Sherloc (09022015). Collection method: clinical testing. Allele origin: germline.
Comment: This sequence change replaces leucine, which is neutral and non-polar, with proline, which is neutral and non-polar, at codon 1661 of the MYO15A protein (p.Leu1661Pro). The frequency data for this variant in the population databases is considered unreliable, as metrics indicate poor data quality at this position in the gnomAD database. This missense change has been observed in individual(s) with deafness (internal data). In at least one individual the data is consistent with being in trans (on the opposite chromosome) from a pathogenic variant. Invitae Evidence Modeling of protein sequence and biophysical properties (such as structural, functional, and spatial information, amino acid conservation, physicochemical variation, residue mobility, and thermodynamic stability) indicates that this missense variant is expected to disrupt MYO15A protein function with a positive predictive value of 95%. In summary, the available evidence is currently insufficient to determine the role of this variant in disease. Therefore, it has been classified as a Variant of Uncertain Significance.

NM_016239.4(MYO15A):c.4982T>C (p.Leu1661Pro)

Gene: MYO15A (myosin XVA; plus strand). Cytogenetic location: 17p11.2.
Variant type: single nucleotide variant.
Coding change: c.4982T>C on transcript NM_016239.4 (MANE Select); coding-DNA position 4982, T replaced by C.
Protein change: p.Leu1661Pro; replaces leucine 1661 with proline.
Molecular consequence: missense variant.
Genome position (GRCh38, 1-based): chr17:18,138,221, T>C. VCF-style: chr17-18138221-T-C. GRCh37 (hg19) VCF-style: chr17-18041535-T-C.
Other names: short protein forms L1661P.
Identifiers: ClinVar variation 4697074 (VCV004697074.1).